The following is an entry in ClinVar:

ClinVar aggregate classification (germline): Conflicting classifications of pathogenicity. Review status: criteria provided, conflicting classifications (1 of 4 stars). 5 submissions from 5 submitters: Uncertain significance (3); Likely benign (1). 1 of the submissions does not count toward it. Last evaluated 2026-01-20.

Conditions:
NBAS-related disorder. Also called: NBAS-related condition.
Retinal dystrophy. Also called: Inherited retinal dystrophy. Identifiers: Orphanet 71862, MedGen C0854723, MeSH D058499, MONDO:0019118, HP:0000556.
Infantile liver failure syndrome 2 (ILFS2). Identifiers: MedGen C3809651, MONDO:0014659, OMIM 616483.
Short stature-optic atrophy-Pelger-Huët anomaly syndrome. Also called: Short stature, optic nerve atrophy, and Pelger-Huet anomaly; Short stature-optic atrophy-Pelger-HuC+t anomaly syndrome. Identifiers: Orphanet 391677, MedGen C3541319, MONDO:0013889, OMIM 614800.
Inborn genetic diseases. Identifiers: MedGen C0950123, MeSH D030342.

Allele frequency attached by ClinVar (database versions not stated): TOPMed 0.00011; gnomAD 0.00013 and 0.00014.
gnomAD v4.1: 63 of 1,613,844 alleles (0.0039%); highest among the groups gnomAD compares: African/African-American, 0.039%; no homozygotes.

Submissions (5):

Labcorp Genetics (formerly Invitae), Labcorp
Classification: Likely benign. Last evaluated: 2026-01-20. Review status: criteria provided, single submitter. Criteria: Invitae Variant Classification Sherloc (09022015). Collection method: clinical testing. Allele origin: germline.

PreventionGenetics, part of Exact Sciences
Classification: Uncertain significance for NBAS-related condition. Last evaluated: 2025-12-31. Review status: criteria provided, single submitter. Criteria: ACMG Guidelines, 2015. Collection method: clinical testing. Allele origin: germline.
Comment: The NBAS c.5251A>G variant is predicted to result in the amino acid substitution p.Ile1751Val. To our knowledge, this variant has not been reported in the literature. This variant is reported in 0.024% of alleles in individuals of African descent in gnomAD. At this time, the clinical significance of this variant is uncertain due to the absence of conclusive functional and genetic evidence.

Ambry Genetics
Classification: Uncertain significance for Inborn genetic diseases. Last evaluated: 2022-12-19. Review status: criteria provided, single submitter. Criteria: Ambry Variant Classification Scheme 2023. Collection method: clinical testing. Allele origin: germline.

Fulgent Genetics
Classification: Uncertain significance for Short stature-optic atrophy-Pelger-Huët anomaly syndrome; Infantile liver failure syndrome 2. Last evaluated: 2022-04-11. Review status: criteria provided, single submitter. Criteria: ACMG Guidelines, 2015. Collection method: clinical testing. Allele origin: unknown.

Institute of Human Genetics, Univ. Regensburg, Univ. Regensburg
Classification: Uncertain significance for Retinal dystrophy. Last evaluated: 2022-01-01. Review status: no assertion criteria provided. Criteria: ACMG Guidelines, 2015. Collection method: clinical testing. Allele origin: germline. Affected: yes. Not counted in ClinVar's aggregate classification.

NM_015909.4(NBAS):c.5251A>G (p.Ile1751Val)

Gene: NBAS (NBAS subunit of NRZ tethering complex; minus strand). Cytogenetic location: 2p24.3.
Variant type: single nucleotide variant.
Coding change: c.5251A>G on transcript NM_015909.4 (MANE Select); coding-DNA position 5251, A replaced by G.
Protein change: p.Ile1751Val; replaces isoleucine 1751 with valine.
Molecular consequence: missense variant. On other transcripts: non-coding transcript variant (1).
Genome position (GRCh38, 1-based): chr2:15,276,989, T>C on the plus strand (A>G on the coding strand, the complement: NBAS is on the minus strand). VCF-style: chr2-15276989-T-C. GRCh37 (hg19) VCF-style: chr2-15417113-T-C.
Other names: c.5251A>G (NM_015909.3, NM_015909.2); short protein forms I1751V.
Identifiers: ClinVar variation 1359417 (VCV001359417.10), dbSNP rs760807984, ClinGen allele CA1535346.